The following is an entry in ClinVar:

NM_016373.4(WWOX):c.172+2T>G

Gene: WWOX (WW domain containing oxidoreductase; plus strand). Cytogenetic location: 16q23.1.
Variant type: single nucleotide variant.
Coding change: c.172+2T>G on transcript NM_016373.4 (MANE Select); the canonical splice donor site of the intron after coding-DNA position 172, T replaced by G.
Molecular consequence: splice donor variant. On other transcripts: intron variant (1).
Genome position (GRCh38, 1-based): chr16:78,108,489, T>G. VCF-style: chr16-78108489-T-G. GRCh37 (hg19) VCF-style: chr16-78142386-T-G.
Other names: c.-167-1289T>G (NM_001291997.2); c.172+2T>G (NM_130791.5).
Identifiers: ClinVar variation 4787642 (VCV004787642.1).
Genomic context (GRCh38, chr16:78,108,489, plus strand): 5'-CGAGGAGAAGACTCAGTGGGAACATCCAAAAACTGGAAAAAGAAAACGAGTGGCAGGAGG[T>G]TTGTATGTTGTTGTCTAAGGATCTTGGATGGAAGCATTAAGTAGATGAGGAAATGTCACT-3'

ClinVar aggregate classification (germline): Likely pathogenic (1 of 4 stars; one submission).

Conditions:
Autosomal recessive spinocerebellar ataxia 12. Also called: SPINOCEREBELLAR ATAXIA WITH MENTAL RETARDATION AND EPILEPSY. Identifiers: Orphanet 284282, MedGen C3280452, MONDO:0013687, OMIM 614322.
Developmental and epileptic encephalopathy, 1 (DEE1). Also called: X-linked infantile spasms; West's syndrome; Tonic spasms with clustering, arrest of psychomotor development and hypsarrhythmia on EEG; X-Linked Infantile Spasm Syndrome; OHTAHARA SYNDROME, X-LINKED; Epileptic encephalopathy, early infantile, 1. Identifiers: MedGen C3463992, MONDO:0010632, OMIM 308350. Disease mechanism: loss of function.

Submission:

Labcorp Genetics (formerly Invitae), Labcorp
Classification: Likely pathogenic for Developmental and epileptic encephalopathy, 1; Autosomal recessive spinocerebellar ataxia 12. Last evaluated: 2025-06-10. Review status: criteria provided, single submitter. Criteria: Invitae Variant Classification Sherloc (09022015). Collection method: clinical testing. Allele origin: germline.
Comment: This sequence change affects a donor splice site in intron 2 of the WWOX gene. It is expected to disrupt RNA splicing. Variants that disrupt the donor or acceptor splice site typically lead to a loss of protein function (PMID: 16199547), and loss-of-function variants in WWOX are known to be pathogenic (PMID: 24456803, 25411445). The frequency data for this variant in the population databases is considered unreliable, as metrics indicate poor data quality at this position in the gnomAD database. This variant has not been reported in the literature in individuals affected with WWOX-related conditions. Algorithms developed to predict the effect of sequence changes on RNA splicing suggest that this variant may disrupt the consensus splice site. In summary, the currently available evidence indicates that the variant is pathogenic, but additional data are needed to prove that conclusively. Therefore, this variant has been classified as Likely Pathogenic.

Literature cited by the submitters: PubMed 16199547; PubMed 24456803; PubMed 25411445.